The following is an entry in ClinVar:

NC_000017.10:g.(?_11556078)_(11556319_?)del

Gene: DNAH9 (dynein axonemal heavy chain 9; plus strand). Cytogenetic location: 17p12.
Variant type: Deletion.
Identifiers: ClinVar variation 2424145 (VCV002424145.4).

ClinVar aggregate classification (germline): Pathogenic (1 of 4 stars; one submission).

Submission:

Labcorp Genetics (formerly Invitae), Labcorp
Classification: Pathogenic. Last evaluated: 2022-06-11. Review status: criteria provided, single submitter. Criteria: Invitae Variant Classification Sherloc (09022015). Collection method: clinical testing. Allele origin: germline.
Comment: For these reasons, this variant has been classified as Pathogenic. This variant has not been reported in the literature in individuals affected with DNAH9-related conditions. This variant is a gross deletion of the genomic region encompassing exon(s) 14 of the DNAH9 gene. This deletion is out-of-frame, and is expected to create a premature termination codon and result in an absent or disrupted protein product. Loss-of-function variants in DNAH9 are known to be pathogenic (PMID: 30471718).

Literature cited by the submitters: PubMed 30471718.